The following is an entry in ClinVar:

ClinVar aggregate classification (germline): Uncertain significance (1 of 4 stars; one submission).

Conditions:
Ornithine aminotransferase deficiency (GACR). Also called: Ornithine ketoacid aminotransferase deficiency; Gyrate atrophy; Gyrate atrophy of choroid and retina; Girate atrophy of the retina; HYPERORNITHINEMIA WITH GYRATE ATROPHY OF CHOROID AND RETINA; OAT DEFICIENCY. Identifiers: Orphanet 414, MedGen C0018425, MONDO:0009796, OMIM 258870.

Allele frequency attached by ClinVar (database versions not stated): gnomAD 0.00001; gnomAD exomes 0.00002; ExAC 0.00004.

Submission:

Labcorp Genetics (formerly Invitae), Labcorp
Classification: Uncertain significance for Ornithine aminotransferase deficiency. Last evaluated: 2022-11-01. Review status: criteria provided, single submitter. Criteria: Invitae Variant Classification Sherloc (09022015). Collection method: clinical testing. Allele origin: germline.
Comment: This sequence change replaces serine, which is neutral and polar, with asparagine, which is neutral and polar, at codon 193 of the OAT protein (p.Ser193Asn). This variant is present in population databases (rs779597685, gnomAD 0.02%). This variant has not been reported in the literature in individuals affected with OAT-related conditions. Advanced modeling of protein sequence and biophysical properties (such as structural, functional, and spatial information, amino acid conservation, physicochemical variation, residue mobility, and thermodynamic stability) performed at Invitae indicates that this missense variant is not expected to disrupt OAT protein function. In summary, the available evidence is currently insufficient to determine the role of this variant in disease. Therefore, it has been classified as a Variant of Uncertain Significance.

NM_000274.4(OAT):c.578G>A (p.Ser193Asn)

Gene: OAT (ornithine aminotransferase; minus strand). Cytogenetic location: 10q26.13.
Variant type: single nucleotide variant.
Coding change: c.578G>A on transcript NM_000274.4 (MANE Select); coding-DNA position 578, G replaced by A.
Protein change: p.Ser193Asn; replaces serine 193 with asparagine.
Molecular consequence: missense variant. On other transcripts: 5 prime UTR variant (1).
Genome position (GRCh38, 1-based): chr10:124,405,506, C>T on the plus strand (G>A on the coding strand, the complement: OAT is on the minus strand). VCF-style: chr10-124405506-C-T. GRCh37 (hg19) VCF-style: chr10-126094075-C-T.
Other names: c.164G>A, p.Ser55Asn (NM_001171814.2); c.578G>A, p.Ser193Asn (NM_001322965.2, NM_001322966.2, NM_001322967.2 and 3 more transcripts); c.257G>A, p.Ser86Asn (NM_001322971.2); c.-23G>A (NM_001322974.2); short protein forms S55N, S86N, S193N.
Identifiers: ClinVar variation 2150281 (VCV002150281.1), dbSNP rs779597685, ClinGen allele CA5733494.